The following is an entry in ClinVar:

NM_144628.4(TBC1D20):c.230A>G (p.Asn77Ser)

Gene: TBC1D20 (TBC1 domain family member 20; minus strand). Cytogenetic location: 20p13.
Variant type: single nucleotide variant.
Coding change: c.230A>G on transcript NM_144628.4 (MANE Select); coding-DNA position 230, A replaced by G.
Protein change: p.Asn77Ser; replaces asparagine 77 with serine.
Molecular consequence: missense variant. On other transcripts: non-coding transcript variant (1).
Genome position (GRCh38, 1-based): chr20:447,915, T>C on the plus strand (A>G on the coding strand, the complement: TBC1D20 is on the minus strand). VCF-style: chr20-447915-T-C. GRCh37 (hg19) VCF-style: chr20-428559-T-C.
Other names: short protein forms N77S.
Identifiers: ClinVar variation 3361397 (VCV003361397.2).

ClinVar aggregate classification (germline): Uncertain significance. Review status: criteria provided, multiple submitters, no conflicts (2 of 4 stars). 2 submissions from 2 submitters: Uncertain significance (2). Last evaluated 2024-08-01.

Conditions:
Inborn genetic diseases. Identifiers: MedGen C0950123, MeSH D030342.

Submissions (2):

Ambry Genetics
Classification: Uncertain significance for Inborn genetic diseases. Last evaluated: 2024-08-01. Review status: criteria provided, single submitter. Criteria: Ambry Variant Classification Scheme 2023. Collection method: clinical testing. Allele origin: germline.

GeneDx
Classification: Uncertain significance. Last evaluated: 2023-07-27. Review status: criteria provided, single submitter. Criteria: GeneDx Variant Classification Process June 2021. Collection method: clinical testing. Allele origin: germline. Affected: yes.
Comment: In silico analysis supports that this missense variant has a deleterious effect on protein structure/function; Has not been previously published as pathogenic or benign to our knowledge; This variant is associated with the following publications: (PMID: 24239381)